The following is an entry in ClinVar:

ClinVar aggregate classification (germline): Pathogenic. Review status: criteria provided, multiple submitters, no conflicts (2 of 4 stars). 2 submissions from 2 submitters: Pathogenic (2). Last evaluated 2025-12-27.

Submissions (2):

GeneDx
Classification: Pathogenic. Last evaluated: 2025-12-27. Review status: criteria provided, single submitter. Criteria: GeneDx Variant Classification Process June 2021. Collection method: clinical testing. Allele origin: germline. Affected: yes.
Comment: Observed in apparent homozygous state in a patient with acute liver failure, poor weight gain, and seizure disorder in the literature and not observed in homozygous state in controls (PMID: 37184518); Canonical splice site variant predicted to result in a null allele in a gene for which loss of function is a known mechanism of disease; Not observed at significant frequency in large population cohorts (gnomAD); This variant is associated with the following publications: (PMID: 37184518)

Eurofins Ntd Llc (ga)
Classification: Pathogenic. Last evaluated: 2017-01-27. Review status: criteria provided, single submitter. Criteria: EGL Classification Definitions 2015. Collection method: clinical testing. Allele origin: germline. Observed: 1 variant allele, 1 homozygote.

NM_080916.3(DGUOK):c.443+1G>A

Gene: DGUOK (deoxyguanosine kinase; plus strand). Cytogenetic location: 2p13.1.
Variant type: single nucleotide variant.
Coding change: c.443+1G>A on transcript NM_080916.3 (MANE Select); the canonical splice donor site of the intron after coding-DNA position 443, G replaced by A.
Molecular consequence: splice donor variant. On other transcripts: intron variant (3).
Genome position (GRCh38, 1-based): chr2:73,946,907, G>A. VCF-style: chr2-73946907-G-A. GRCh37 (hg19) VCF-style: chr2-74174034-G-A.
Other names: c.152+1G>A (NM_001318861.2, NM_001318860.2); c.134+19G>A (NM_001318862.2, NM_001318863.2); c.443+1G>A (NM_080918.3); c.425+19G>A (NM_001318859.2).
Identifiers: ClinVar variation 393268 (VCV000393268.9), dbSNP rs1057524864, ClinGen allele CA16604404.